The following is an entry in ClinVar:

ClinVar aggregate classification (germline): Uncertain significance (1 of 4 stars; one submission).

Submission:

Ambry Genetics
Classification: Uncertain significance. Last evaluated: 2023-09-21. Review status: criteria provided, single submitter. Criteria: Ambry Variant Classification Scheme 2023. Collection method: clinical testing. Allele origin: germline.
Comment: The p.E609D variant (also known as c.1827G>T), located in coding exon 18 of the KIF1B gene, results from a G to T substitution at nucleotide position 1827. The glutamic acid at codon 609 is replaced by aspartic acid, an amino acid with highly similar properties. This amino acid position is conserved. In addition, the in silico prediction for this alteration is inconclusive. Since supporting evidence is limited at this time, the clinical significance of this alteration remains unclear.

NM_001365951.3(KIF1B):c.1965G>T (p.Glu655Asp)

Gene: KIF1B (kinesin family member 1B; plus strand). Cytogenetic location: 1p36.22.
Variant type: single nucleotide variant.
Coding change: c.1965G>T on transcript NM_001365951.3 (MANE Select); coding-DNA position 1965, G replaced by T.
Protein change: p.Glu655Asp; replaces glutamic acid 655 with aspartic acid.
Molecular consequence: missense variant.
Genome position (GRCh38, 1-based): chr1:10,297,000, G>T. VCF-style: chr1-10297000-G-T. GRCh37 (hg19) VCF-style: chr1-10357058-G-T.
Other names: c.1965G>T, p.Glu655Asp (NM_001365952.1); c.1827G>T, p.Glu609Asp (NM_001365953.1, NM_015074.3, NM_183416.4); short protein forms E609D, E655D.
Identifiers: ClinVar variation 3226370 (VCV003226370.1), dbSNP rs2521402640, ClinGen allele CA338317002.